The following is an entry in ClinVar:

NM_000334.4(SCN4A):c.748C>A (p.Leu250Met)

Gene: SCN4A (sodium voltage-gated channel alpha subunit 4; minus strand). Cytogenetic location: 17q23.3.
Variant type: single nucleotide variant.
Coding change: c.748C>A on transcript NM_000334.4 (MANE Select); coding-DNA position 748, C replaced by A.
Protein change: p.Leu250Met; replaces leucine 250 with methionine.
Molecular consequence: missense variant.
Genome position (GRCh38, 1-based): chr17:63,968,311, G>T on the plus strand (C>A on the coding strand, the complement: SCN4A is on the minus strand). VCF-style: chr17-63968311-G-T. GRCh37 (hg19) VCF-style: chr17-62045671-G-T.
Other names: short protein forms L250M.
Identifiers: ClinVar variation 2119049 (VCV002119049.4), dbSNP rs2509320827, ClinGen allele CA400637781.
Genomic context (GRCh38, chr17:63,968,311, plus strand): 5'-GCAGTCCTACCAGCGCAAAGACGCTCAGGCAGAAGACAGTGAGGATCATCACATCCGACA[G>T]CTTTTTCACCGACTGGATCAGGGCCCCCACGATCGTCTTCAGCCCTGACCGCAGAGAGGG-3'
Protein context (NP_000325.4, residues 240-260): VGALIQSVKK[Leu250Met]SDVMILTVFC

ClinVar aggregate classification (germline): Uncertain significance (1 of 4 stars; one submission).

Conditions:
Hyperkalemic periodic paralysis. Also called: Familial hyperkalemic periodic paralysis; Gamstorp disease. Identifiers: Orphanet 682, MedGen C0238357, MONDO:0008224, OMIM 170500, HP:0007215.

Submission:

Labcorp Genetics (formerly Invitae), Labcorp
Classification: Uncertain significance for Hyperkalemic periodic paralysis. Last evaluated: 2022-03-28. Review status: criteria provided, single submitter. Criteria: Invitae Variant Classification Sherloc (09022015). Collection method: clinical testing. Allele origin: germline.
Comment: This variant has not been reported in the literature in individuals affected with SCN4A-related conditions. This variant is not present in population databases (gnomAD no frequency). This sequence change replaces leucine, which is neutral and non-polar, with methionine, which is neutral and non-polar, at codon 250 of the SCN4A protein (p.Leu250Met). Algorithms developed to predict the effect of missense changes on protein structure and function (SIFT, PolyPhen-2, Align-GVGD) all suggest that this variant is likely to be tolerated. In summary, the available evidence is currently insufficient to determine the role of this variant in disease. Therefore, it has been classified as a Variant of Uncertain Significance. This variant disrupts the p.Leu250 amino acid residue in SCN4A. Other variant(s) that disrupt this residue have been determined to be pathogenic (PMID: 19876661). This suggests that this residue is clinically significant, and that variants that disrupt this residue are likely to be disease-causing.

Literature cited by the submitters: PubMed 19876661.